The following is an entry in ClinVar:

ClinVar aggregate classification (germline): Uncertain significance (1 of 4 stars; one submission).

Allele frequency attached by ClinVar (database versions not stated): gnomAD exomes below 0.00001.
gnomAD v4.1: 1 of 1,604,770 alleles (0.000062%); highest among the groups gnomAD compares: Non-Finnish European, 0.000085%; no homozygotes.

Submission:

Labcorp Genetics (formerly Invitae), Labcorp
Classification: Uncertain significance. Last evaluated: 2022-05-15. Review status: criteria provided, single submitter. Criteria: Invitae Variant Classification Sherloc (09022015). Collection method: clinical testing. Allele origin: germline.
Comment: This sequence change replaces aspartic acid, which is acidic and polar, with histidine, which is basic and polar, at codon 30 of the GLTSCR1 protein (p.Asp30His). This variant is not present in population databases (gnomAD no frequency). This variant has not been reported in the literature in individuals affected with GLTSCR1-related conditions. Algorithms developed to predict the effect of missense changes on protein structure and function are either unavailable or do not agree on the potential impact of this missense change (SIFT: "Deleterious"; PolyPhen-2: "Not Available"; Align-GVGD: "Class C0"). In summary, the available evidence is currently insufficient to determine the role of this variant in disease. Therefore, it has been classified as a Variant of Uncertain Significance.

NM_001394372.1(BICRA):c.88G>C (p.Asp30His)

Gene: BICRA (BRD4 interacting chromatin remodeling complex associated protein; plus strand). Cytogenetic location: 19q13.33.
Variant type: single nucleotide variant.
Coding change: c.88G>C on transcript NM_001394372.1 (MANE Select); coding-DNA position 88, G replaced by C.
Protein change: p.Asp30His; replaces aspartic acid 30 with histidine.
Molecular consequence: missense variant.
Genome position (GRCh38, 1-based): chr19:47,675,854, G>C. VCF-style: chr19-47675854-G-C. GRCh37 (hg19) VCF-style: chr19-48179111-G-C.
Other names: c.88G>C, p.Asp30His (NM_015711.3); short protein forms D30H.
Identifiers: ClinVar variation 1682845 (VCV001682845.6), dbSNP rs2123579791, ClinGen allele CA406606245.